The following is an entry in ClinVar:

ClinVar aggregate classification (germline): Benign. Review status: criteria provided, multiple submitters, no conflicts (2 of 4 stars). 6 submissions from 6 submitters: Benign (5). 1 of the submissions does not count toward it. Last evaluated 2026-02-03.

Conditions:
DBH-related disorder. Also called: DBH-related condition.
Orthostatic hypotension 1 (ORTHYP1). Also called: Dopamine beta-hydroxylase deficiency; Orthostatic hypotension 1, due to DBH deficiency; NORADRENALINE DEFICIENCY; NOREPINEPHRINE DEFICIENCY. Identifiers: Orphanet 230, MedGen C4746777, MONDO:0009123, OMIM 223360.

Allele frequency attached by ClinVar (database versions not stated): gnomAD exomes 0.06228 and 0.07687; 1000 Genomes Project 0.06550; 1000 Genomes Project 30x 0.06621; ExAC 0.06649; gnomAD 0.07851 and 0.08112; TOPMed 0.08116; ESP Exome Variant Server 0.09250.
gnomAD v4.1: 123,536 of 1,607,224 alleles (7.7%); highest among the groups gnomAD compares: African/African-American, 12%; 5,251 homozygotes.

Submissions (6):

Labcorp Genetics (formerly Invitae), Labcorp
Classification: Benign for Orthostatic hypotension 1. Last evaluated: 2026-02-03. Review status: criteria provided, single submitter. Criteria: Invitae Variant Classification Sherloc (09022015). Collection method: clinical testing. Allele origin: germline.

Blueprint Genetics
Classification: Benign. Last evaluated: 2024-11-27. Review status: criteria provided, single submitter. Criteria: ACMG Guidelines, 2015. Collection method: clinical testing. Allele origin: germline.

GeneDx
Classification: Benign. Last evaluated: 2021-05-11. Review status: criteria provided, single submitter. Criteria: GeneDx Variant Classification Process June 2021. Collection method: clinical testing. Allele origin: germline. Affected: yes.

Illumina Laboratory Services, Illumina
Classification: Benign for Orthostatic hypotension 1. Last evaluated: 2018-01-12. Review status: criteria provided, single submitter. Criteria: ICSL Variant Classification Criteria 13 December 2019. Collection method: clinical testing. Allele origin: germline.
Comment: This variant was observed in the ICSL laboratory as part of a predisposition screen in an ostensibly healthy population. It had not been previously curated by ICSL or reported in the Human Gene Mutation Database (HGMD: prior to June 1st, 2018), and was therefore a candidate for classification through an automated scoring system. Utilizing variant allele frequency, disease prevalence and penetrance estimates, and inheritance mode, an automated score was calculated to assess if this variant is too frequent to cause the disease. Based on the score and internal cut-off values, a variant classified as benign is not then subjected to further curation. The score for this variant resulted in a classification of benign for this disease.

Breakthrough Genomics
Classification: Benign. Review status: criteria provided, single submitter. Criteria: ACMG Guidelines, 2015. Collection method: not provided. Allele origin: germline. Inheritance: Autosomal recessive inheritance. Affected: yes.

PreventionGenetics, part of Exact Sciences
Classification: Benign for DBH-related condition. Last evaluated: 2019-11-20. Review status: no assertion criteria provided. Collection method: clinical testing. Allele origin: germline. Not counted in ClinVar's aggregate classification.
Comment: This variant is classified as benign based on ACMG/AMP sequence variant interpretation guidelines (Richards et al. 2015 PMID: 25741868, with internal and published modifications).

NM_000787.4(DBH):c.1024+9C>T

Gene: DBH (dopamine beta-hydroxylase; plus strand). Cytogenetic location: 9q34.2.
Variant type: single nucleotide variant.
Coding change: c.1024+9C>T on transcript NM_000787.4 (MANE Select); 9 bases into the intron after coding-DNA position 1024, C replaced by T.
Molecular consequence: intron variant.
Genome position (GRCh38, 1-based): chr9:133,644,329, C>T. VCF-style: chr9-133644329-C-T. GRCh37 (hg19) VCF-style: chr9-136509451-C-T.
Identifiers: ClinVar variation 365654 (VCV000365654.18), dbSNP rs1611127, ClinGen allele CA5313271.
Genomic context (GRCh38, chr9:133,644,329, plus strand): 5'-TCCAGATATCTCCGCCTGGAAGTTCACTACCACAACCCACTGGTGATAGAAGGTAGGCGG[C>T]TCTGCTGCCATCCTCCTCAGAAGCCCTAGGACTCAGCTGTGTTGAGCCAGTGAGCAAATC-3'